The following is an entry in ClinVar:

NM_003859.3(DPM1):c.385C>T (p.Pro129Ser)

Gene: DPM1 (dolichyl-phosphate mannosyltransferase subunit 1, catalytic; minus strand). Cytogenetic location: 20q13.13.
Variant type: single nucleotide variant.
Coding change: c.385C>T on transcript NM_003859.3 (MANE Select); coding-DNA position 385, C replaced by T.
Protein change: p.Pro129Ser; replaces proline 129 with serine.
Molecular consequence: missense variant. On other transcripts: non-coding transcript variant (1).
Genome position (GRCh38, 1-based): chr20:50,945,750, G>A on the plus strand (C>T on the coding strand, the complement: DPM1 is on the minus strand). VCF-style: chr20-50945750-G-A. GRCh37 (hg19) VCF-style: chr20-49562287-G-A.
Other names: c.385C>T, p.Pro129Ser (NM_001317034.1, NM_001317035.1, NM_001317036.1); short protein forms P129S.
Identifiers: ClinVar variation 650177 (VCV000650177.9), dbSNP rs752831768, ClinGen allele CA9909124.

ClinVar aggregate classification (germline): Uncertain significance. Review status: criteria provided, multiple submitters, no conflicts (2 of 4 stars). 2 submissions from 2 submitters: Uncertain significance (2). Last evaluated 2025-09-02.

Conditions:
Inborn genetic diseases. Identifiers: MedGen C0950123, MeSH D030342.
Congenital disorder of glycosylation type 1E (CDG1E). Also called: CDG Ie; CONGENITAL DISORDER OF GLYCOSYLATION, TYPE Ie. Identifiers: Orphanet 79322, MedGen C1837396, MONDO:0012123, OMIM 608799.

Allele frequency attached by ClinVar (database versions not stated): TOPMed 0.00001.
gnomAD v4.1: 35 of 1,581,966 alleles (0.0022%); highest among the groups gnomAD compares: Non-Finnish European, 0.003%; no homozygotes.

Submissions (2):

Labcorp Genetics (formerly Invitae), Labcorp
Classification: Uncertain significance for Congenital disorder of glycosylation type 1E. Last evaluated: 2025-09-02. Review status: criteria provided, single submitter. Criteria: Invitae Variant Classification Sherloc (09022015). Collection method: clinical testing. Allele origin: germline.
Comment: This sequence change replaces proline, which is neutral and non-polar, with serine, which is neutral and polar, at codon 129 of the DPM1 protein (p.Pro129Ser). This variant is present in population databases (rs752831768, gnomAD 0.005%). This variant has not been reported in the literature in individuals affected with DPM1-related conditions. ClinVar contains an entry for this variant (Variation ID: 650177). An algorithm developed to predict the effect of missense changes on protein structure and function (PolyPhen-2) suggests that this variant is likely to be tolerated. Algorithms developed to predict the effect of sequence changes on RNA splicing suggest that this variant may disrupt the consensus splice site. In summary, the available evidence is currently insufficient to determine the role of this variant in disease. Therefore, it has been classified as a Variant of Uncertain Significance.

Ambry Genetics
Classification: Uncertain significance for Inborn genetic diseases. Last evaluated: 2022-04-13. Review status: criteria provided, single submitter. Criteria: Ambry Variant Classification Scheme 2023. Collection method: clinical testing. Allele origin: germline.